The following is an entry in ClinVar:

NM_000352.6(ABCC8):c.984G>T (p.Gly328=)

Gene: ABCC8 (ATP binding cassette subfamily C member 8; minus strand). Cytogenetic location: 11p15.1.
Variant type: single nucleotide variant.
Coding change: c.984G>T on transcript NM_000352.6 (MANE Select); coding-DNA position 984, G replaced by T.
Protein change: p.Gly328=; no amino-acid change (glycine 328 retained).
Molecular consequence: synonymous variant. On other transcripts: non-coding transcript variant (1).
Genome position (GRCh38, 1-based): chr11:17,460,515, C>A on the plus strand (G>T on the coding strand, the complement: ABCC8 is on the minus strand). VCF-style: chr11-17460515-C-A. GRCh37 (hg19) VCF-style: chr11-17482062-C-A.
Other names: c.984G>T, p.Gly328= (NM_001287174.3, NM_001351295.2); c.981G>T, p.Gly327= (NM_001351296.2, NM_001351297.2); c.984G>T (NM_000352.3).
Identifiers: ClinVar variation 2146773 (VCV002146773.4), dbSNP rs751181213, ClinGen allele CA5903710.

ClinVar aggregate classification (germline): Uncertain significance. Review status: criteria provided, multiple submitters, no conflicts (2 of 4 stars). 4 submissions from 4 submitters: Uncertain significance (4). Last evaluated 2025-05-02.

Conditions:
Type 2 diabetes mellitus. Also called: Type II diabetes mellitus. Identifiers: MedGen C0011860, MeSH D003924, MONDO:0005148, OMIM 125853, HP:0005978.
Leucine-induced hypoglycemia (LIH). Also called: LEUCINE-SENSITIVE HYPOGLYCEMIA OF INFANCY. Identifiers: MedGen C0271714, MONDO:0009415, OMIM 240800.
Diabetes mellitus, permanent neonatal 3. Also called: ABCC8-Related Permanent Neonatal Diabetes Mellitus. Identifiers: MedGen C5394303, MONDO:0030088, OMIM 618857.
Diabetes mellitus, transient neonatal, 2 (TNDM2). Identifiers: Orphanet 99886, MedGen C1835887, MONDO:0012480, OMIM 610374. Disease mechanism: loss of function.
Hyperinsulinemic hypoglycemia, familial, 1 (HHF1). Also called: Persistent hyperinsulinemic hypoglycemia of infancy; HYPERINSULINISM, FAMILIAL, WITH PANCREATIC NESIDIOBLASTOSIS; HYPOGLYCEMIA, HYPERINSULINEMIC, OF INFANCY; NESIDIOBLASTOSIS OF PANCREAS; Persistent Hyperinsulinemia Hypoglycemia of Infancy. Identifiers: Orphanet 276575, Orphanet 276598, MedGen C2931832, MONDO:0009734, OMIM 256450.

Allele frequency attached by ClinVar (database versions not stated): ExAC 0.00002; gnomAD 0.00005; TOPMed 0.00005; gnomAD exomes 0.00009.
gnomAD v4.1: 150 of 1,614,032 alleles (0.0093%); highest among the groups gnomAD compares: Non-Finnish European, 0.012%; no homozygotes.

Submissions (4):

Women's Health and Genetics/Laboratory Corporation of America, LabCorp
Classification: Uncertain significance. Last evaluated: 2025-05-02. Review status: criteria provided, single submitter. Criteria: LabCorp Variant Classification Summary - May 2015. Collection method: clinical testing. Allele origin: germline.
Comment: Variant summary: ABCC8 c.984G>T results in a synonymous change. Several computational tools predict a significant impact on normal splicing: Four predict the variant creates a 5' donor site. However, these predictions have yet to be confirmed by functional studies. The variant allele was found at a frequency of 4e-05 in 251270 control chromosomes (gnomAD). This frequency is not significantly higher than estimated for a pathogenic variant in ABCC8 causing Familial Hyperinsulinism (4e-05 vs 0.0034), allowing no conclusion about variant significance. To our knowledge, no occurrence of c.984G>T in individuals affected with Familial Hyperinsulinism and no experimental evidence demonstrating its impact on protein function have been reported. ClinVar contains an entry for this variant (Variation ID: 2146773). Based on the evidence outlined above, the variant was classified as uncertain significance.

GeneDx
Classification: Uncertain significance. Last evaluated: 2025-02-20. Review status: criteria provided, single submitter. Criteria: GeneDx Variant Classification Process June 2021. Collection method: clinical testing. Allele origin: germline. Affected: yes.
Comment: In silico analysis supports a deleterious effect on splicing; Has not been previously published as pathogenic or benign to our knowledge

Fulgent Genetics
Classification: Uncertain significance for Type 2 diabetes mellitus; Leucine-induced hypoglycemia; Hyperinsulinemic hypoglycemia, familial, 1; Diabetes mellitus, transient neonatal, 2; Diabetes mellitus, permanent neonatal 3. Last evaluated: 2024-02-21. Review status: criteria provided, single submitter. Criteria: ACMG Guidelines, 2015. Collection method: clinical testing. Allele origin: germline.

Labcorp Genetics (formerly Invitae), Labcorp
Classification: Uncertain significance. Last evaluated: 2021-10-14. Review status: criteria provided, single submitter. Criteria: Invitae Variant Classification Sherloc (09022015). Collection method: clinical testing. Allele origin: germline.
Comment: This sequence change affects codon 328 of the ABCC8 mRNA. It is a 'silent' change, meaning that it does not change the encoded amino acid sequence of the ABCC8 protein. This variant is present in population databases (rs751181213, ExAC 0.003%). This variant has not been reported in the literature in individuals affected with ABCC8-related conditions. Algorithms developed to predict the effect of sequence changes on RNA splicing suggest that this variant may create or strengthen a splice site. In summary, the available evidence is currently insufficient to determine the role of this variant in disease. Therefore, it has been classified as a Variant of Uncertain Significance.